The following is an entry in ClinVar:

ClinVar aggregate classification (germline): Uncertain significance. Review status: criteria provided, multiple submitters, no conflicts (2 of 4 stars). 2 submissions from 2 submitters: Uncertain significance (2). Last evaluated 2026-01-02.

Conditions:
Hereditary cancer-predisposing syndrome. Also called: Tumor predisposition; Hereditary Cancer Syndrome; Hereditary neoplastic syndrome; Neoplastic Syndromes, Hereditary. Identifiers: Orphanet 140162, MedGen C0027672, MeSH D009386, MONDO:0015356.

Submissions (2):

Labcorp Genetics (formerly Invitae), Labcorp
Classification: Uncertain significance for Hereditary cancer-predisposing syndrome. Last evaluated: 2026-01-02. Review status: criteria provided, single submitter. Criteria: Invitae Variant Classification Sherloc (09022015). Collection method: clinical testing. Allele origin: germline.
Comment: This sequence change replaces asparagine, which is neutral and polar, with aspartic acid, which is acidic and polar, at codon 945 of the RAD50 protein (p.Asn945Asp). This variant is not present in population databases (gnomAD no frequency). This variant has not been reported in the literature in individuals affected with RAD50-related conditions. ClinVar contains an entry for this variant (Variation ID: 2090578). Invitae Evidence Modeling of protein sequence and biophysical properties (such as structural, functional, and spatial information, amino acid conservation, physicochemical variation, residue mobility, and thermodynamic stability) indicates that this missense variant is not expected to disrupt RAD50 protein function with a negative predictive value of 80%. In summary, the available evidence is currently insufficient to determine the role of this variant in disease. Therefore, it has been classified as a Variant of Uncertain Significance.

Ambry Genetics
Classification: Uncertain significance for Hereditary cancer-predisposing syndrome. Last evaluated: 2023-03-24. Review status: criteria provided, single submitter. Criteria: Ambry Variant Classification Scheme 2023. Collection method: clinical testing. Allele origin: germline.
Comment: The p.N945D variant (also known as c.2833A>G), located in coding exon 18 of the RAD50 gene, results from an A to G substitution at nucleotide position 2833. The asparagine at codon 945 is replaced by aspartic acid, an amino acid with highly similar properties. This amino acid position is conserved. In addition, this alteration is predicted to be tolerated by in silico analysis. Since supporting evidence is limited at this time, the clinical significance of this alteration remains unclear.

NM_005732.4(RAD50):c.2833A>G (p.Asn945Asp)

Gene: RAD50 (RAD50 double strand break repair protein; plus strand). Cytogenetic location: 5q31.1.
Variant type: single nucleotide variant.
Coding change: c.2833A>G on transcript NM_005732.4 (MANE Select); coding-DNA position 2833, A replaced by G.
Protein change: p.Asn945Asp; replaces asparagine 945 with aspartic acid.
Molecular consequence: missense variant.
Genome position (GRCh38, 1-based): chr5:132,609,120, A>G. VCF-style: chr5-132609120-A-G. GRCh37 (hg19) VCF-style: chr5-131944812-A-G.
Other names: c.2833A>G (NM_005732.3); short protein forms N945D.
Identifiers: ClinVar variation 2090578 (VCV002090578.6), dbSNP rs2479370914, ClinGen allele CA360959355.
Genomic context (GRCh38, chr5:132,609,120, plus strand): 5'-TCCTGTTATGTGCCCTTAAGTACAACCAGTGTAAATTTAATGAATATTTTTCTACAGCTG[A>G]ATGATATTAAAGAGAAGGTTAAAAATATTCATGGCTATATGAAAGACATTGAGAATTATA-3'
Protein context (NP_005723.2, residues 935-955): TSNKIAQDKL[Asn945Asp]DIKEKVKNIH